The following is an entry in ClinVar:

NM_005360.5(MAF):c.23G>T (p.Ser8Ile)

Gene: MAF (MAF bZIP transcription factor; minus strand). Cytogenetic location: 16q23.2.
Variant type: single nucleotide variant.
Coding change: c.23G>T on transcript NM_005360.5 (MANE Select); coding-DNA position 23, G replaced by T.
Protein change: p.Ser8Ile; replaces serine 8 with isoleucine.
Molecular consequence: missense variant.
Genome position (GRCh38, 1-based): chr16:79,599,880, C>A on the plus strand (G>T on the coding strand, the complement: MAF is on the minus strand). VCF-style: chr16-79599880-C-A. GRCh37 (hg19) VCF-style: chr16-79633777-C-A.
Other names: c.23G>T, p.Ser8Ile (NM_001031804.3); short protein forms S8I.
Identifiers: ClinVar variation 3778323 (VCV003778323.7).
Genomic context (GRCh38, chr16:79,599,880, plus strand): 5'-ATCAGATCGAAGTCATTAACATATTCCATGGCCAGGGGACTGGTGGGCAGGTCGGAGTTG[C>A]TCATTGCCAGTTCTGATGCCATTCTCCTGCCGCCGCCGCCGCCGCCGCCGCCGCTCCGCC-3'
Protein context (NP_005351.2, residues 1-18): MASELAM[Ser8Ile]NSDLPTSPLA

ClinVar aggregate classification (germline): Uncertain significance (1 of 4 stars; one submission).

Submission:

CeGaT Center for Human Genetics Tuebingen
Classification: Uncertain significance. Last evaluated: 2025-03-01. Review status: criteria provided, single submitter. Criteria: CeGaT Center For Human Genetics Tuebingen Variant Classification Criteria Version 2. Collection method: clinical testing. Allele origin: germline. Affected: yes. Observed: 1 variant allele.
Comment: MAF: PM2:Supporting, PP3